The following is an entry in ClinVar:

NM_017433.5(MYO3A):c.4634dup (p.Leu1545fs)

Gene: MYO3A (myosin IIIA; plus strand). Cytogenetic location: 10p12.1.
Variant type: Duplication.
Coding change: c.4634dup on transcript NM_017433.5 (MANE Select); coding-DNA position 4634, one base duplicated (T; older notation c.4634dupT).
Protein change: p.Leu1545fs; shifts the reading frame from leucine 1545.
Molecular consequence: frameshift variant.
Genome position (GRCh38, 1-based): chr10:26,203,011, T duplicated; the last of 5 consecutive T bases (chr10:26,203,007-26,203,011); duplicating any one gives the same sequence. VCF-style (leftmost placement, unchanged base first): chr10-26203006-A-AT. GRCh37 (hg19) VCF-style: chr10-26491935-A-AT.
Other names: short protein forms L1545fs.
Identifiers: ClinVar variation 3712750 (VCV003712750.2), dbSNP rs755304444.

ClinVar aggregate classification (germline): Pathogenic (1 of 4 stars; one submission).

Submission:

Labcorp Genetics (formerly Invitae), Labcorp
Classification: Pathogenic. Last evaluated: 2025-06-13. Review status: criteria provided, single submitter. Criteria: Invitae Variant Classification Sherloc (09022015). Collection method: clinical testing. Allele origin: germline.
Comment: This sequence change creates a premature translational stop signal (p.Leu1545Phefs*11) in the MYO3A gene. It is expected to result in an absent or disrupted protein product. Loss-of-function variants in MYO3A are known to be pathogenic (PMID: 12032315, 23990876). This variant is present in population databases (rs755304444, gnomAD 0.02%). This variant has not been reported in the literature in individuals affected with MYO3A-related conditions. ClinVar contains an entry for this variant (Variation ID: 3712750). Algorithms developed to predict the effect of sequence changes on RNA splicing suggest that this variant may disrupt the consensus splice site. For these reasons, this variant has been classified as Pathogenic.

Literature cited by the submitters: PubMed 12032315; PubMed 23990876.